The following is an entry in ClinVar:

NM_001292063.2(OTOG):c.4904C>T (p.Pro1635Leu)

Gene: OTOG (otogelin; plus strand). Cytogenetic location: 11p15.1.
Variant type: single nucleotide variant.
Coding change: c.4904C>T on transcript NM_001292063.2 (MANE Select); coding-DNA position 4904, C replaced by T.
Protein change: p.Pro1635Leu; replaces proline 1635 with leucine.
Molecular consequence: missense variant.
Genome position (GRCh38, 1-based): chr11:17,610,204, C>T. VCF-style: chr11-17610204-C-T. GRCh37 (hg19) VCF-style: chr11-17631751-C-T.
Other names: c.4940C>T, p.Pro1647Leu (NM_001277269.2); short protein forms P1647L, P1635L.
Identifiers: ClinVar variation 226895 (VCV000226895.20), dbSNP rs2041028, ClinGen allele CA5905878.

ClinVar aggregate classification (germline): Benign. Review status: criteria provided, multiple submitters, no conflicts (2 of 4 stars). 7 submissions from 7 submitters: Benign (5). 2 of the submissions do not count toward it. Last evaluated 2026-02-04.

Allele frequency attached by ClinVar (database versions not stated): 1000 Genomes Project 30x 0.43723; TOPMed 0.42822; 1000 Genomes Project 0.43470; gnomAD exomes 0.35254 and 0.37395; ExAC 0.40458; gnomAD 0.42330.
gnomAD v4.1: 588,022 of 1,550,170 alleles (38%); highest among the groups gnomAD compares: African/African-American, 63%; 115,879 homozygotes.

Submissions (7):

Labcorp Genetics (formerly Invitae), Labcorp
Classification: Benign. Last evaluated: 2026-02-04. Review status: criteria provided, single submitter. Criteria: Invitae Variant Classification Sherloc (09022015). Collection method: clinical testing. Allele origin: germline.

Mayo Clinic Laboratories, Mayo Clinic
Classification: Benign. Last evaluated: 2020-10-20. Review status: criteria provided, single submitter. Criteria: ACMG Guidelines, 2015. Collection method: clinical testing. Allele origin: germline. Observed: 92 variant alleles.

GeneDx
Classification: Benign. Last evaluated: 2017-05-09. Review status: criteria provided, single submitter. Criteria: GeneDx Variant Classification (06012015). Collection method: clinical testing. Allele origin: germline. Affected: yes.
Comment: This variant is considered likely benign or benign based on one or more of the following criteria: it is a conservative change, it occurs at a poorly conserved position in the protein, it is predicted to be benign by multiple in silico algorithms, and/or has population frequency not consistent with disease.

Laboratory for Molecular Medicine, Mass General Brigham Personalized Medicine
Classification: Benign. Last evaluated: 2014-11-24. Review status: criteria provided, single submitter. Criteria: LMM Criteria. Collection method: clinical testing. Allele origin: germline. Observed: 591 variant alleles.
Comment: Pro1647Leu in exon 35 of OTOG: This variant is not expected to have clinical sig nificance because it has been identified in 63.6% (112/176) of Yoruba (Nigerian) chromosomes from a broad population by the 1000 Genomes Project (i.; dbSNP rs2041028).

Breakthrough Genomics
Classification: Benign. Review status: criteria provided, single submitter. Criteria: ACMG Guidelines, 2015. Collection method: not provided. Allele origin: germline. Inheritance: Autosomal recessive inheritance. Affected: yes.

Diagnostic Laboratory, Department of Genetics, University Medical Center Groningen
Classification: Benign. Review status: no assertion criteria provided. Collection method: clinical testing. Allele origin: germline. Affected: yes. Study: VKGL Data-share Consensus. Not counted in ClinVar's aggregate classification.

Joint Genome Diagnostic Labs from Nijmegen and Maastricht, Radboudumc and MUMC+
Classification: Benign. Review status: no assertion criteria provided. Collection method: clinical testing. Allele origin: germline. Affected: yes. Study: VKGL Data-share Consensus. Not counted in ClinVar's aggregate classification.